The following is an entry in ClinVar:

ClinVar aggregate classification (germline): Uncertain significance. Review status: criteria provided, multiple submitters, no conflicts (2 of 4 stars). 4 submissions from 4 submitters: Uncertain significance (4). Last evaluated 2025-08-30.

Conditions:
Bardet-Biedl syndrome 1 (BBS1). Identifiers: MedGen C2936862, MONDO:0008854, OMIM 209900. Disease mechanism: loss of function.
Retinitis pigmentosa 55 (RP55). Identifiers: Orphanet 791, MedGen C3150808, MONDO:0013312, OMIM 613575.
Bardet-Biedl syndrome 3 (BBS3). Identifiers: Orphanet 110, MedGen C1859564, MONDO:0010832, OMIM 600151.
Inborn genetic diseases. Identifiers: MedGen C0950123, MeSH D030342.

Allele frequency attached by ClinVar (database versions not stated): ExAC 0.00001; gnomAD exomes 0.00001; TOPMed 0.00001; ESP Exome Variant Server 0.00008.

Submissions (4):

Ambry Genetics
Classification: Uncertain significance for Inborn genetic diseases. Last evaluated: 2025-08-30. Review status: criteria provided, single submitter. Criteria: Ambry Variant Classification Scheme 2023. Collection method: clinical testing. Allele origin: germline.

Fulgent Genetics
Classification: Uncertain significance for Bardet-Biedl syndrome 1; Bardet-Biedl syndrome 3; Retinitis pigmentosa 55. Last evaluated: 2024-01-16. Review status: criteria provided, single submitter. Criteria: ACMG Guidelines, 2015. Collection method: clinical testing. Allele origin: germline.

Blueprint Genetics
Classification: Uncertain significance. Last evaluated: 2023-06-02. Review status: criteria provided, single submitter. Criteria: ACMG Guidelines, 2015. Collection method: clinical testing. Allele origin: germline.

Labcorp Genetics (formerly Invitae), Labcorp
Classification: Uncertain significance for Retinitis pigmentosa 55; Bardet-Biedl syndrome 3. Last evaluated: 2022-07-12. Review status: criteria provided, single submitter. Criteria: Invitae Variant Classification Sherloc (09022015). Collection method: clinical testing. Allele origin: germline.
Comment: This sequence change replaces isoleucine, which is neutral and non-polar, with threonine, which is neutral and polar, at codon 51 of the ARL6 protein (p.Ile51Thr). This variant is present in population databases (rs371013474, gnomAD 0.0009%). This variant has not been reported in the literature in individuals affected with ARL6-related conditions. Algorithms developed to predict the effect of missense changes on protein structure and function output the following: SIFT: "Deleterious"; PolyPhen-2: "Probably Damaging"; Align-GVGD: "Class C25". The threonine amino acid residue is found in multiple mammalian species, which suggests that this missense change does not adversely affect protein function. In summary, the available evidence is currently insufficient to determine the role of this variant in disease. Therefore, it has been classified as a Variant of Uncertain Significance.

NM_001278293.3(ARL6):c.152T>C (p.Ile51Thr)

Gene: ARL6 (ARF like GTPase 6; plus strand). Cytogenetic location: 3q11.2.
Variant type: single nucleotide variant.
Coding change: c.152T>C on transcript NM_001278293.3 (MANE Select); coding-DNA position 152, T replaced by C.
Protein change: p.Ile51Thr; replaces isoleucine 51 with threonine.
Molecular consequence: missense variant. On other transcripts: non-coding transcript variant (7).
Genome position (GRCh38, 1-based): chr3:97,780,187, T>C. VCF-style: chr3-97780187-T-C. GRCh37 (hg19) VCF-style: chr3-97499031-T-C.
Other names: c.152T>C (NM_177976.1); c.152T>C, p.Ile51Thr (NM_001323513.2, NM_001323514.2, NM_032146.5 and 1 more transcripts); short protein forms I51T.
Identifiers: ClinVar variation 2188643 (VCV002188643.4), dbSNP rs371013474, ClinGen allele CA2505870.
Genomic context (GRCh38, chr3:97,780,187, plus strand): 5'-TAAATTTCTGAACTTTGTCTTTTCTCTTAAAGGCTCAATCTCAAAATATCCTTCCAACAA[T>C]AGGATTCAGCATAGAGAAATTCAAATCATCCAGGTAATCCACTTTATCCCTTAACAAAAA-3'
Protein context (NP_001265222.1, residues 41-61): NAQSQNILPT[Ile51Thr]GFSIEKFKSS